The following is an entry in ClinVar:

ClinVar aggregate classification (germline): Pathogenic. Review status: criteria provided, single submitter (1 of 4 stars). 2 submissions from 2 submitters: Pathogenic (1). 1 of the submissions does not count toward it. Last evaluated 2017-08-16.

Conditions:
Tuberous sclerosis syndrome (TSC). Also called: Tuberous Sclerosis Complex; Tuberous sclerosis. Identifiers: Orphanet 805, MedGen C0041341, MONDO:0001734.
Tuberous sclerosis 1 (TSC1). Identifiers: Orphanet 805, MedGen C1854465, MONDO:0008612, OMIM 191100.

Submissions (2):

Labcorp Genetics (formerly Invitae), Labcorp
Classification: Pathogenic for Tuberous sclerosis 1. Last evaluated: 2017-08-16. Review status: criteria provided, single submitter. Criteria: Invitae Variant Classification Sherloc (09022015). Collection method: clinical testing. Allele origin: germline.
Comment: For these reasons, this variant has been classified as Pathogenic. Loss-of-function variants in TSC1 are known to be pathogenic (PMID: 10227394, 17304050). This variant has been reported in an individual affected with tuberous sclerosis complex (PMID: 10227394). ClinVar contains an entry for this variant (Variation ID: 64812). This variant is not present in population databases (ExAC no frequency). This sequence change creates a premature translational stop signal (p.Tyr49Serfs*13) in the TSC1 gene. It is expected to result in an absent or disrupted protein product.

Tuberous sclerosis database (TSC1)
No classification provided. Condition: TSC. Review status: no classification provided. Criteria: Tuberous Sclerosis Database Assertion Criteria 2015. Collection method: curation. Allele origin: germline. Affected: yes. Not counted in ClinVar's aggregate classification.

Literature cited by the submitters: PubMed 10227394 (cited by Labcorp Genetics (formerly Invitae), Labcorp); PubMed 17304050 (cited by Labcorp Genetics (formerly Invitae), Labcorp).

NM_000368.5(TSC1):c.146del (p.Tyr49fs)

Gene: TSC1 (TSC complex subunit 1; minus strand). Cytogenetic location: 9q34.13.
Variant type: Deletion.
Coding change: c.146del on transcript NM_000368.5 (MANE Select); coding-DNA position 146, one base deleted (A; older notation c.146delA).
Protein change: p.Tyr49fs; shifts the reading frame from tyrosine 49.
Molecular consequence: frameshift variant. On other transcripts: intron variant (1).
Genome position (GRCh38, 1-based): chr9:132,927,265, T deleted on the plus strand (A on the coding strand, the reverse complement: TSC1 is on the minus strand). VCF-style (leftmost placement, unchanged base first): chr9-132927264-GT-G. GRCh37 (hg19) VCF-style: chr9-135802651-GT-G.
Other names: c.146delA (NM_000368.4); c.146del, p.Tyr49fs (NM_001162426.2, NM_001162427.2); c.-154+1502del (NM_001362177.2); short protein forms Y49fs.
Identifiers: ClinVar variation 64812 (VCV000064812.6), dbSNP rs397514861, ClinGen allele CA004893.